The following is an entry in ClinVar:

NM_006308.3(HSPB3):c.279G>A (p.Trp93Ter)

Gene: HSPB3 (heat shock protein family B (small) member 3; plus strand). Cytogenetic location: 5q11.2.
Variant type: single nucleotide variant.
Coding change: c.279G>A on transcript NM_006308.3 (MANE Select); coding-DNA position 279, G replaced by A.
Protein change: p.Trp93Ter; replaces tryptophan 93 with a stop codon.
Molecular consequence: nonsense.
Genome position (GRCh38, 1-based): chr5:54,456,068, G>A. VCF-style: chr5-54456068-G-A. GRCh37 (hg19) VCF-style: chr5-53751898-G-A.
Other names: chr5-54456068-G-A; p.Trp93Ter; short protein forms W93*.
Identifiers: ClinVar variation 1299491 (VCV001299491.4), dbSNP rs142626276, ClinGen allele CA3264651.

ClinVar aggregate classification (germline): Conflicting classifications of pathogenicity. Review status: criteria provided, conflicting classifications (1 of 4 stars). 3 submissions from 3 submitters: Likely pathogenic (1); Uncertain significance (2). Last evaluated 2024-08-06.

Conditions:
Charcot-Marie-Tooth disease type 2. Also called: Charcot-Marie-Tooth type 2. Identifiers: Orphanet 64746, MedGen C0270914, MONDO:0018993.

Allele frequency attached by ClinVar (database versions not stated): ESP Exome Variant Server 0.00008; ExAC 0.00001; gnomAD exomes 0.00001.
gnomAD v4.1: 3 of 1,614,020 alleles (0.00019%); highest among the groups gnomAD compares: Non-Finnish European, 0.00025%; no homozygotes.

Submissions (3):

Dasa
Classification: Uncertain significance. Last evaluated: 2024-08-06. Review status: criteria provided, single submitter. Criteria: DASA Assertion Criteria. Collection method: clinical testing. Allele origin: germline.
Comment: NM_006308.3(HSPB3):c.279G>A (p.Trp93*) is a nonsense variant in HSPB3 predicted to introduce a premature termination codon. This variant is rare in population databases. The currently available literature and clinical evidence are not sufficient to establish a definitive association between this variant and the reported condition. Therefore, this variant is classified as a variant of uncertain significance.

Mendelics
Classification: Uncertain significance. Last evaluated: 2022-05-04. Review status: criteria provided, single submitter. Criteria: Mendelics Assertion Criteria 2019. Collection method: clinical testing. Allele origin: germline.

Laboratório de Neurologia Aplicada e Experimental, Faculdade de Medicina de Ribeirao Preto – Universidade de Sao Paulo
Classification: Likely pathogenic for Charcot-Marie-Tooth disease type 2. Last evaluated: 2021-07-20. Review status: criteria provided, single submitter. Criteria: ACMG Guidelines, 2015. Collection method: research. Allele origin: germline. Inheritance: Autosomal dominant inheritance. Affected: yes. Observed: 2 variant alleles, 2 heterozygotes.
Comment: The c.279G>A (p.Trp93Ter) variant in the HSPB3 gene has not been described in the literature to our knowledge. This substitution creates a premature termination codon, predicted to cause a truncation of the encoded protein or absence of the protein due to nonsense-mediated decay. This substitution occurs at a position that is conserved across species. This variant is not present in the population database (GnomAD and ABraOM), suggesting it is not a common benign variant in these populations. This variant is located in an essential and highly conserved functional protein domain (alpha-crystallin) (PMID: 32323160). So, this variant segregates with the family phenotype (CMT2) in an autosomal dominant inheritance. In summary, the p.Trp93Ter meets our criteria to be classified as likely pathogenic.

Literature cited by the submitters: PubMed 32323160 (cited by Laboratório de Neurologia Aplicada e Experimental, Faculdade de Medicina de Ribeirao Preto – Universidade de Sao Paulo).